The following is an entry in ClinVar:

ClinVar aggregate classification (germline): Uncertain significance (1 of 4 stars; one submission).

Conditions:
Intellectual disability, CASK-related, X-linked. Identifiers: MedGen CN043158.

gnomAD v4.1: 1 of 1,205,425 alleles (0.000083%); highest among the groups gnomAD compares: Non-Finnish European, 0.00011%; no homozygotes.

Submission:

Labcorp Genetics (formerly Invitae), Labcorp
Classification: Uncertain significance for Intellectual disability, CASK-related, X-linked. Last evaluated: 2025-02-18. Review status: criteria provided, single submitter. Criteria: Invitae Variant Classification Sherloc (09022015). Collection method: clinical testing. Allele origin: germline.
Comment: This sequence change replaces lysine, which is basic and polar, with arginine, which is basic and polar, at codon 250 of the CASK protein (p.Lys250Arg). This variant is not present in population databases (gnomAD no frequency). This variant has not been reported in the literature in individuals affected with CASK-related conditions. Invitae Evidence Modeling of protein sequence and biophysical properties (such as structural, functional, and spatial information, amino acid conservation, physicochemical variation, residue mobility, and thermodynamic stability) indicates that this missense variant is not expected to disrupt CASK protein function with a negative predictive value of 80%. In summary, the available evidence is currently insufficient to determine the role of this variant in disease. Therefore, it has been classified as a Variant of Uncertain Significance.

NM_001367721.1(CASK):c.749A>G (p.Lys250Arg)

Gene: CASK (calcium/calmodulin dependent serine protein kinase; minus strand). Cytogenetic location: Xp11.4.
Variant type: single nucleotide variant.
Coding change: c.749A>G on transcript NM_001367721.1 (MANE Select); coding-DNA position 749, A replaced by G.
Protein change: p.Lys250Arg; replaces lysine 250 with arginine.
Molecular consequence: missense variant.
Genome position (GRCh38, 1-based): chrX:41,660,521, T>C on the plus strand (A>G on the coding strand, the complement: CASK is on the minus strand). VCF-style: chrX-41660521-T-C. GRCh37 (hg19) VCF-style: chrX-41519774-T-C.
Other names: c.749A>G, p.Lys250Arg (NM_001126054.3, NM_001126055.3, NM_001410745.1 and 1 more transcripts); short protein forms K250R.
Identifiers: ClinVar variation 4742970 (VCV004742970.1).
Genomic context (GRCh38, chrX:41,660,521, plus strand): 5'-GCTTCATAAACAGTGATCCTTTCAGCTGGATCCAGCATCAGCATGCGACGTACTAGGTCT[T>C]TGGCACTTTCAGAGATATGGCTCCACTGCCTTGGATTCATCTGAGGAGGAGGAAAGGAAA-3'
Protein context (NP_001354650.1, residues 240-260): RQWSHISESA[Lys250Arg]DLVRRMLMLD